The following is an entry in ClinVar:

ClinVar aggregate classification (germline): Pathogenic (1 of 4 stars; one submission).

Conditions:
Birt-Hogg-Dube syndrome. Also called: Birt Hogg Dubé syndrome. Identifiers: Orphanet 122, MedGen C0346010, MONDO:0800444.

Submission:

Genomic Diagnostic Laboratory, Division of Genomic Diagnostics, Children's Hospital of Philadelphia
Classification: Pathogenic for Birt-Hogg-Dube Syndrome. Last evaluated: 2016-07-18. Review status: criteria provided, single submitter. Criteria: DGD Variant Analysis Guidelines. Collection method: clinical testing. Allele origin: germline. Affected: yes. Observed: 1 variant allele.
Comment: Clinical Testing

NM_144997.7(FLCN):c.851del (p.Val284fs)

Gene: FLCN (folliculin; minus strand). Cytogenetic location: 17p11.2.
Variant type: Deletion.
Coding change: c.851del on transcript NM_144997.7 (MANE Select); coding-DNA position 851, one base deleted (T; older notation c.851delT).
Protein change: p.Val284fs; shifts the reading frame from valine 284.
Molecular consequence: frameshift variant.
Genome position (GRCh38, 1-based): chr17:17,221,557, A deleted on the plus strand (T on the coding strand, the reverse complement: FLCN is on the minus strand). VCF-style (leftmost placement, unchanged base first): chr17-17221556-GA-G. GRCh37 (hg19) VCF-style: chr17-17124870-GA-G.
Other names: c.851del, p.Val284fs (NM_001353231.2, NM_144606.7, NM_001353230.2); c.851del (LRG_325t1); c.905del, p.Val302fs (NM_001353229.2); short protein forms V284fs, V302fs.
Identifiers: ClinVar variation 253238 (VCV000253238.2), dbSNP rs879255666, ClinGen allele CA10586265.